The following is an entry in ClinVar:

NM_000937.5(POLR2A):c.3015C>T (p.His1005=)

Gene: POLR2A (RNA polymerase II subunit A; plus strand). Cytogenetic location: 17p13.1.
Variant type: single nucleotide variant.
Coding change: c.3015C>T on transcript NM_000937.5 (MANE Select); coding-DNA position 3015, C replaced by T.
Protein change: p.His1005=; no amino-acid change (histidine 1005 retained).
Molecular consequence: synonymous variant.
Genome position (GRCh38, 1-based): chr17:7,503,471, C>T. VCF-style: chr17-7503471-C-T. GRCh37 (hg19) VCF-style: chr17-7406790-C-T.
Identifiers: ClinVar variation 3041250 (VCV003041250.2), dbSNP rs780675580, ClinGen allele CA8349870.

ClinVar aggregate classification (germline): Likely benign (0 of 4 stars; one submission).

Conditions:
POLR2A-related disorder. Also called: POLR2A-related condition.

Allele frequency attached by ClinVar (database versions not stated): gnomAD exomes below 0.00001; TOPMed below 0.00001; ExAC 0.00001.

Submission:

PreventionGenetics, part of Exact Sciences
Classification: Likely benign for POLR2A-related condition. Last evaluated: 2019-12-26. Review status: no assertion criteria provided. Collection method: clinical testing. Allele origin: germline.
Comment: This variant is classified as likely benign based on ACMG/AMP sequence variant interpretation guidelines (Richards et al. 2015 PMID: 25741868, with internal and published modifications).